The following is an entry in ClinVar:

ClinVar aggregate classification (germline): Uncertain significance (1 of 4 stars; one submission).

Allele frequency attached by ClinVar (database versions not stated): TOPMed below 0.00001; gnomAD 0.00001; gnomAD exomes 0.00001; ExAC 0.00004; ESP Exome Variant Server 0.00008.
gnomAD v4.1: 12 of 1,612,880 alleles (0.00074%); highest among the groups gnomAD compares: Admixed American, 0.0017%; no homozygotes.

Submission:

Labcorp Genetics (formerly Invitae), Labcorp
Classification: Uncertain significance. Last evaluated: 2026-01-20. Review status: criteria provided, single submitter. Criteria: Invitae Variant Classification Sherloc (09022015). Collection method: clinical testing. Allele origin: germline.
Comment: This sequence change replaces arginine, which is basic and polar, with tryptophan, which is neutral and slightly polar, at codon 562 of the TAOK2 protein (p.Arg562Trp). This variant is present in population databases (rs371473286, gnomAD 0.01%). This variant has not been reported in the literature in individuals affected with TAOK2-related conditions. ClinVar contains an entry for this variant (Variation ID: 2185904). An algorithm developed to predict the effect of missense changes on protein structure and function (PolyPhen-2) suggests that this variant is likely to be disruptive. In summary, the available evidence is currently insufficient to determine the role of this variant in disease. Therefore, it has been classified as a Variant of Uncertain Significance.

NM_016151.4(TAOK2):c.1684C>T (p.Arg562Trp)

Gene: TAOK2 (TAO kinase 2; plus strand). Cytogenetic location: 16p11.2.
Variant type: single nucleotide variant.
Coding change: c.1684C>T on transcript NM_016151.4 (MANE Select); coding-DNA position 1684, C replaced by T.
Protein change: p.Arg562Trp; replaces arginine 562 with tryptophan.
Molecular consequence: missense variant.
Genome position (GRCh38, 1-based): chr16:29,985,474, C>T. VCF-style: chr16-29985474-C-T. GRCh37 (hg19) VCF-style: chr16-29996795-C-T.
Other names: c.1684C>T, p.Arg562Trp (NM_001252043.2, NM_004783.4); short protein forms R562W.
Identifiers: ClinVar variation 2185904 (VCV002185904.4), dbSNP rs371473286, ClinGen allele CA7998193.